The following is an entry in ClinVar:

ClinVar aggregate classification (germline): Uncertain significance. Review status: criteria provided, multiple submitters, no conflicts (2 of 4 stars). 2 submissions from 2 submitters: Uncertain significance (2). Last evaluated 2026-02-07.

Conditions:
Intellectual developmental disorder, autosomal dominant 39. Also called: Mental retardation, autosomal dominant 39; Intellectual disability, autosomal dominant 39. Identifiers: MedGen C4225296, MONDO:0014678, OMIM 616521.

gnomAD v4.1: 1 of 1,610,700 alleles (0.000062%); no homozygotes.

Submissions (2):

GeneDx
Classification: Uncertain significance. Last evaluated: 2026-02-07. Review status: criteria provided, single submitter. Criteria: GeneDx Variant Classification Process June 2021. Collection method: clinical testing. Allele origin: germline. Affected: yes.
Comment: Not observed at significant frequency in large population cohorts (gnomAD); In silico analysis supports that this missense variant has a deleterious effect on protein structure/function; Has not been previously published as pathogenic or benign to our knowledge

University of Washington Department of Laboratory Medicine, University of Washington
Classification: Uncertain significance for Intellectual developmental disorder, autosomal dominant 39. Last evaluated: 2023-11-21. Review status: criteria provided, single submitter. Criteria: ACMG Guidelines, 2015. Collection method: clinical testing. Allele origin: unknown. Affected: yes.
Comment: The p.Arg1024His variant in the MYT1L gene has not been previously reported in association with disease. This variant has been identified in 1/625446 chromosomes by the Genome Aggregation Database v4.0. Although this variant has been seen in the general population, its frequency is low enough to be consistent with the frequency of disease. Notably, a different amino acid change at this residue (p.Arg1024Ser) has been previously reported de novo in an individual with language delay, intellectual disability, behavioral issues, dysmorphic features, short stature, and obesity (Coursimault 2022). The MYT1L gene has fewer missense variants in the general population than expected. A low rate of missense variation may suggest that this gene is intolerant to missense variation. Using ACMG guidelines, this variant was classified as a variant of uncertain significance (ACMG evidence codes used: PM5, PM2_supporting, PP2).

NM_001303052.2(MYT1L):c.3077G>A (p.Arg1026His)

Gene: MYT1L (myelin transcription factor 1 like; minus strand). Cytogenetic location: 2p25.3.
Variant type: single nucleotide variant.
Coding change: c.3077G>A on transcript NM_001303052.2 (MANE Select); coding-DNA position 3077, G replaced by A.
Protein change: p.Arg1026His; replaces arginine 1026 with histidine.
Molecular consequence: missense variant.
Genome position (GRCh38, 1-based): chr2:1,839,152, C>T on the plus strand (G>A on the coding strand, the complement: MYT1L is on the minus strand). VCF-style: chr2-1839152-C-T. GRCh37 (hg19) VCF-style: chr2-1842924-C-T.
Other names: c.3077G>A, p.Arg1026His (NM_001329844.2, NM_001329845.1, NM_001329851.3); c.3071G>A, p.Arg1024His (NM_001329846.3, NM_001329847.2, NM_001329848.1 and 3 more transcripts); c.3071G>A (NM_015025.3); short protein forms R1024H, R1026H.
Identifiers: ClinVar variation 3373494 (VCV003373494.3).
Genomic context (GRCh38, chr2:1,839,152, plus strand): 5'-CCAGTCGGCTCTCGGCGGCACCATCCCAGCCAGGGTCCCGCAGACGCGGCCACTCACCTG[C>T]GGTGTGTGAGGAAGCTGCCGCTGACGTGGCCTGAGCCGTCGCATCCTGGCGTGGGGCAGG-3'
Protein context (NP_001289981.1, residues 1016-1036): GHVSGSFLTH[Arg1026His]SLSGCPRATS